The following is an entry in ClinVar:

NM_032620.4(GTPBP3):c.521G>C (p.Arg174Pro)

Gene: GTPBP3 (GTP binding protein 3, mitochondrial; plus strand). Cytogenetic location: 19p13.11.
Variant type: single nucleotide variant.
Coding change: c.521G>C on transcript NM_032620.4 (MANE Select); coding-DNA position 521, G replaced by C.
Protein change: p.Arg174Pro; replaces arginine 174 with proline.
Molecular consequence: missense variant.
Genome position (GRCh38, 1-based): chr19:17,338,671, G>C. VCF-style: chr19-17338671-G-C. GRCh37 (hg19) VCF-style: chr19-17449480-G-C.
Other names: c.521G>C, p.Arg174Pro (NM_001128855.3, NM_133644.4); c.587G>C, p.Arg196Pro (NM_001195422.1); short protein forms R174P, R196P.
Identifiers: ClinVar variation 1698817 (VCV001698817.2), dbSNP rs766510741, ClinGen allele CA404733354.

ClinVar aggregate classification (germline): Likely pathogenic (1 of 4 stars; one submission).

Conditions:
Combined oxidative phosphorylation defect type 23. Also called: Combined oxidative phosphorylation deficiency 23. Identifiers: Orphanet 444013, MedGen C5567743, MONDO:0014525, OMIM 616198.

gnomAD v4.1: 1 of 1,613,726 alleles (0.000062%); highest among the groups gnomAD compares: East Asian, 0.0022%; no homozygotes.

Submission:

Genetics and Molecular Pathology, SA Pathology
Classification: Likely pathogenic for Combined oxidative phosphorylation defect type 23. Last evaluated: 2021-08-02. Review status: criteria provided, single submitter. Criteria: ACMG Guidelines, 2015. Collection method: clinical testing. Allele origin: germline. Inheritance: Autosomal recessive inheritance. Affected: yes.
Comment: The GTPBP3 c.521G>C variant is classified as LIKELY PATHOGENIC (PS3, PM2, PP3, PM3_supporting) The GTPBP3 c.521G>C variant is a single nucleotide change in exon 4/9 of the GTPBP3 gene, which is predicted to change the amino acid arginine at position 174 to proline. This variant is located in in the MnmE helical domain (PF12631), which has not been functionally validated. However, other reported variants at positions, p.159 and p.162 located within the MnmE domain, showed structural instability to the dimeric helical structure when mutated in vitro (PMID: 33619562). This variant is absent from population databases (PM2). The variant has been reported in dbSNP (rs766510741). This variant has not been reported in ClinVar or HGMD. Computational predictions support a deleterious effect on the gene or gene product (PP3). The variant has not been described in literature to date. Respiratory chain enzyme studies in skeletal muscle demonstrated Complex I and Complex IV deficiencies, with normal activities of Complex II and Citrate Synthase. These results are consistent with those found in other patients with pathogenic GTPBP3 variants, although not specific for GTPBP3 defects (PS3).

Literature cited by the submitters: PubMed 33619562.